The following is an entry in ClinVar:

NM_001142864.4(PIEZO1):c.2697G>T (p.Thr899=)

Genes: HSALR1 (HSP90AB1 associated lncRNA 1; plus strand), PIEZO1 (piezo type mechanosensitive ion channel component 1 (Er blood group); minus strand). Cytogenetic location: 16q24.3.
Variant type: single nucleotide variant.
Coding change: c.2697G>T on transcript NM_001142864.4 (MANE Select); coding-DNA position 2697, G replaced by T.
Protein change: p.Thr899=; no amino-acid change (threonine 899 retained).
Molecular consequence: synonymous variant.
Genome position (GRCh38, 1-based): chr16:88,732,700, C>A on the plus strand (G>T on the coding strand, the complement: PIEZO1 is on the minus strand). VCF-style: chr16-88732700-C-A. GRCh37 (hg19) VCF-style: chr16-88799108-C-A.
Other names: c.1239G>T, p.Thr413= (NM_014745.1).
Identifiers: ClinVar variation 2434755 (VCV002434755.28), dbSNP rs973943297, ClinGen allele CA497366365.

ClinVar aggregate classification (germline): Conflicting classifications of pathogenicity. Review status: criteria provided, conflicting classifications (1 of 4 stars). 3 submissions from 3 submitters: Uncertain significance (1); Likely benign (2). Last evaluated 2024-05-10.

Allele frequency attached by ClinVar (database versions not stated): TOPMed 0.00002.
gnomAD v4.1: 20 of 1,549,024 alleles (0.0013%); highest among the groups gnomAD compares: Middle Eastern, 0.017%; no homozygotes.

Submissions (3):

Blueprint Genetics
Classification: Likely benign. Last evaluated: 2024-05-10. Review status: criteria provided, single submitter. Criteria: ACMG Guidelines, 2015. Collection method: clinical testing. Allele origin: germline.

Revvity Omics, Revvity
Classification: Uncertain significance. Last evaluated: 2024-04-30. Review status: criteria provided, single submitter. Criteria: ACMG Guidelines, 2015. Collection method: clinical testing. Allele origin: germline.

CeGaT Center for Human Genetics Tuebingen
Classification: Likely benign. Last evaluated: 2022-05-01. Review status: criteria provided, single submitter. Criteria: CeGaT Center For Human Genetics Tuebingen Variant Classification Criteria Version 2. Collection method: clinical testing. Allele origin: germline. Affected: yes. Observed: 1 variant allele.
Comment: PIEZO1: BP4, BP7